The following is an entry in ClinVar:

ClinVar aggregate classification (germline): Uncertain significance (1 of 4 stars; one submission).

Conditions:
Ataxia-telangiectasia syndrome (AT). Also called: AT, COMPLEMENTATION GROUP C; Cerebello-oculocutaneous telangiectasia; Immunodeficiency with ataxia telangiectasia; Ataxia-telangiectasia, complementation group D; ATAXIA-TELANGIECTASIA, FRESNO VARIANT; Ataxia-telangiectasia, complementation group E. Identifiers: Orphanet 100, MedGen C0004135, MONDO:0008840, OMIM 208900.

Submission:

Labcorp Genetics (formerly Invitae), Labcorp
Classification: Uncertain significance for Ataxia-telangiectasia syndrome. Last evaluated: 2018-04-09. Review status: criteria provided, single submitter. Criteria: Invitae Variant Classification Sherloc (09022015). Collection method: clinical testing. Allele origin: germline.
Comment: In summary, the available evidence is currently insufficient to determine the role of this variant in disease. Therefore, it has been classified as a Variant of Uncertain Significance. Algorithms developed to predict the effect of missense changes on protein structure and function output the following: SIFT: "Tolerated"; PolyPhen-2: "Benign"; Align-GVGD: "Class C0". The lysine amino acid residue is found in multiple mammalian species, suggesting that this missense change does not adversely affect protein function. These predictions have not been confirmed by published functional studies and their clinical significance is uncertain. This variant has not been reported in the literature in individuals with ATM-related disease. This variant is not present in population databases (ExAC no frequency). This sequence change replaces arginine with lysine at codon 1012 of the ATM protein (p.Arg1012Lys). The arginine residue is moderately conserved and there is a small physicochemical difference between arginine and lysine.

NM_000051.4(ATM):c.3035G>A (p.Arg1012Lys)

Gene: ATM (ATM serine/threonine kinase; plus strand). Cytogenetic location: 11q22.3.
Variant type: single nucleotide variant.
Coding change: c.3035G>A on transcript NM_000051.4 (MANE Select); coding-DNA position 3035, G replaced by A.
Protein change: p.Arg1012Lys; replaces arginine 1012 with lysine.
Molecular consequence: missense variant.
Genome position (GRCh38, 1-based): chr11:108,271,364, G>A. VCF-style: chr11-108271364-G-A. GRCh37 (hg19) VCF-style: chr11-108142091-G-A.
Other names: c.3035G>A, p.Arg1012Lys (NM_001351834.2); short protein forms R1012K.
Identifiers: ClinVar variation 569128 (VCV000569128.8), dbSNP rs1565425752, ClinGen allele CA382547541.